The following is an entry in ClinVar:

ClinVar aggregate classification (germline): Benign/Likely benign. Review status: criteria provided, multiple submitters, no conflicts (2 of 4 stars). 8 submissions from 8 submitters: Benign (7); Likely benign (1). Last evaluated 2026-02-04.

Conditions:
Brittle cornea syndrome 1 (BCS1). Also called: DYSGENESIS MESODERMALIS CORNEAE ET SCLERAE; CORNEAL FRAGILITY, KERATOGLOBUS, BLUE SCLERAE, JOINT HYPEREXTENSIBILITY; EDS6B; FRAGILITAS OCULI WITH JOINT HYPEREXTENSIBILITY; Corneal fragility keratoglobus, blue sclerae AND joint hypermobility. Identifiers: Orphanet 90354, MedGen C0268344, MONDO:0024543, OMIM 229200.
Cardiovascular phenotype. Identifiers: MedGen CN230736.

Allele frequency attached by ClinVar (database versions not stated): 1000 Genomes Project 0.09425; 1000 Genomes Project 30x 0.09010.
gnomAD v4.1: 132,605 of 1,550,224 alleles (8.6%); highest among the groups gnomAD compares: Middle Eastern, 14%; 6,147 homozygotes.

Submissions (8):

Labcorp Genetics (formerly Invitae), Labcorp
Classification: Benign. Last evaluated: 2026-02-04. Review status: criteria provided, single submitter. Criteria: Invitae Variant Classification Sherloc (09022015). Collection method: clinical testing. Allele origin: germline.

Women's Health and Genetics/Laboratory Corporation of America, LabCorp
Classification: Benign. Last evaluated: 2026-01-22. Review status: criteria provided, single submitter. Criteria: LabCorp Variant Classification Summary - May 2015. Collection method: clinical testing. Allele origin: germline.

Blueprint Genetics
Classification: Benign. Last evaluated: 2024-11-27. Review status: criteria provided, single submitter. Criteria: ACMG Guidelines, 2015. Collection method: clinical testing. Allele origin: germline.

Mayo Clinic Laboratories, Mayo Clinic
Classification: Benign. Last evaluated: 2022-04-26. Review status: criteria provided, single submitter. Criteria: ACMG Guidelines, 2015. Collection method: clinical testing. Allele origin: germline. Observed: 515 variant alleles.

Genome-Nilou Lab
Classification: Benign for Brittle cornea syndrome 1. Last evaluated: 2021-12-05. Review status: criteria provided, single submitter. Criteria: ACMG Guidelines, 2015. Collection method: clinical testing. Allele origin: germline. Affected: no.

Ambry Genetics
Classification: Benign for Cardiovascular phenotype. Last evaluated: 2018-12-04. Review status: criteria provided, single submitter. Criteria: Ambry Variant Classification Scheme 2023. Collection method: clinical testing. Allele origin: germline.

GeneDx
Classification: Benign. Last evaluated: 2016-10-05. Review status: criteria provided, single submitter. Criteria: GeneDx Variant Classification (06012015). Collection method: clinical testing. Allele origin: germline. Affected: yes.
Comment: This variant is considered likely benign or benign based on one or more of the following criteria: it is a conservative change, it occurs at a poorly conserved position in the protein, it is predicted to be benign by multiple in silico algorithms, and/or has population frequency not consistent with disease.

Breakthrough Genomics
Classification: Likely benign. Review status: criteria provided, single submitter. Criteria: ACMG Guidelines, 2015. Collection method: not provided. Allele origin: germline. Inheritance: Autosomal recessive inheritance. Affected: yes.

NM_001367624.2(ZNF469):c.6552G>T (p.Thr2184=)

Gene: ZNF469 (zinc finger protein 469; plus strand). Cytogenetic location: 16q24.2.
Variant type: single nucleotide variant.
Coding change: c.6552G>T on transcript NM_001367624.2 (MANE Select); coding-DNA position 6552, G replaced by T.
Protein change: p.Thr2184=; no amino-acid change (threonine 2184 retained).
Molecular consequence: synonymous variant.
Genome position (GRCh38, 1-based): chr16:88,434,022, G>T. VCF-style: chr16-88434022-G-T. GRCh37 (hg19) VCF-style: chr16-88500430-G-T.
Other names: NM_001127464.1:c.6468G>T; p.Thr2184=.
Identifiers: ClinVar variation 320957 (VCV000320957.19), dbSNP rs12919507, ClinGen allele CA8225164.